The following is an entry in ClinVar:

ClinVar aggregate classification (germline): Uncertain significance (1 of 4 stars; one submission).

Submission:

GeneDx
Classification: Uncertain significance. Last evaluated: 2025-08-19. Review status: criteria provided, single submitter. Criteria: GeneDx Variant Classification Process June 2021. Collection method: clinical testing. Allele origin: germline. Affected: yes.
Comment: In silico analysis suggests that this variant does not alter splicing; Has not been previously published as pathogenic or benign to our knowledge; No data available from control populations to assess the frequency of this variant

NM_001195226.2(PRODH):c.-52+5G>A

Genes: HSERVPRODH (human-specific endogenous retroviral insert PRODH enhancer; plus strand), PRODH (proline dehydrogenase 1; minus strand). Cytogenetic location: 22q11.21.
Variant type: single nucleotide variant.
Coding change: c.-52+5G>A on transcript NM_001195226.2; 5 bases into the intron after 52 bases upstream of the start codon, G replaced by A.
Molecular consequence: intron variant.
Genome position (GRCh38, 1-based): chr22:18,936,385, C>T on the plus strand (G>A on the coding strand, the complement: PRODH is on the minus strand). VCF-style: chr22-18936385-C-T. GRCh37 (hg19) VCF-style: chr22-18923898-C-T.
Identifiers: ClinVar variation 4796664 (VCV004796664.1).
Genomic context (GRCh38, chr22:18,936,385, plus strand): 5'-GCGCTGTTGGTCCCGCCCCGCCCCGCCCCGCCCCGCCCCGCCCCGCTCGGTCCCAGAGGC[C>T]TCACCCTATATTCCTGACAAATGCCAGACAAGGGCTTAGACTTCACAAGCACCCTGGCAC-3'